The following is an entry in ClinVar:

ClinVar aggregate classification (germline): Pathogenic (1 of 4 stars; one submission).

Conditions:
Duchenne muscular dystrophy (DMD). Also called: MUSCULAR DYSTROPHY, PSEUDOHYPERTROPHIC PROGRESSIVE, DUCHENNE TYPE; Duchenne Muscular Dystrophy (DMD). Identifiers: Orphanet 98896, MedGen C0013264, MONDO:0010679, OMIM 310200.

Submission:

Labcorp Genetics (formerly Invitae), Labcorp
Classification: Pathogenic for Duchenne muscular dystrophy. Last evaluated: 2021-01-07. Review status: criteria provided, single submitter. Criteria: Invitae Variant Classification Sherloc (09022015). Collection method: clinical testing. Allele origin: germline.
Comment: This sequence change creates a premature translational stop signal (p.Glu3090*) in the DMD gene. It is expected to result in an absent or disrupted protein product. Loss-of-function variants in DMD are known to be pathogenic (PMID: 16770791, 25007885). This variant is not present in population databases (ExAC no frequency). This variant has not been reported in the literature in individuals with DMD-related conditions. For these reasons, this variant has been classified as Pathogenic.

Literature cited by the submitters: PubMed 16770791; PubMed 25007885.

NM_004006.3(DMD):c.9268G>T (p.Glu3090Ter)

Gene: DMD (dystrophin; minus strand). Cytogenetic location: Xp21.2.
Variant type: single nucleotide variant.
Coding change: c.9268G>T on transcript NM_004006.3 (MANE Select); coding-DNA position 9268, G replaced by T.
Protein change: p.Glu3090Ter; replaces glutamic acid 3090 with a stop codon.
Molecular consequence: nonsense.
Genome position (GRCh38, 1-based): chrX:31,260,973, C>A on the plus strand (G>T on the coding strand, the complement: DMD is on the minus strand). VCF-style: chrX-31260973-C-A. GRCh37 (hg19) VCF-style: chrX-31279090-C-A.
Other names: c.9244G>T, p.Glu3082Ter (NM_000109.4); c.9256G>T, p.Glu3086Ter (NM_004009.3); c.8899G>T, p.Glu2967Ter (NM_004010.3); c.5245G>T, p.Glu1749Ter (NM_004011.4); c.5236G>T, p.Glu1746Ter (NM_004012.4); c.1888G>T, p.Glu630Ter (NM_004013.3, NM_004020.4, NM_004021.3 and 2 more transcripts); c.1081G>T, p.Glu361Ter (NM_004014.3); c.64G>T, p.Glu22Ter (NM_004015.3, NM_004016.3, NM_004017.3 and 2 more transcripts); short protein forms E3082*, E3086*, E3090*, E361*, E1746*, E2967*, E1749*, E22*.
Identifiers: ClinVar variation 1380174 (VCV001380174.1), dbSNP rs2147648996, ClinGen allele CA412652464.